The following is an entry in ClinVar:

NM_001046.3(SLC12A2):c.127C>G (p.Pro43Ala)

Genes: SLC12A2 (solute carrier family 12 member 2; plus strand), LOC129994526 (ATAC-STARR-seq lymphoblastoid silent region 16295; plus strand). Cytogenetic location: 5q23.3.
Variant type: single nucleotide variant.
Coding change: c.127C>G on transcript NM_001046.3 (MANE Select); coding-DNA position 127, C replaced by G.
Protein change: p.Pro43Ala; replaces proline 43 with alanine.
Molecular consequence: missense variant. On other transcripts: non-coding transcript variant (1).
Genome position (GRCh38, 1-based): chr5:128,084,081, C>G. VCF-style: chr5-128084081-C-G. GRCh37 (hg19) VCF-style: chr5-127419773-C-G.
Other names: c.127C>G, p.Pro43Ala (NM_001256461.2); short protein forms P43A.
Identifiers: ClinVar variation 2012020 (VCV002012020.4), dbSNP rs1759939068, ClinGen allele CA360735857.

ClinVar aggregate classification (germline): Uncertain significance (1 of 4 stars; one submission).

Submission:

Labcorp Genetics (formerly Invitae), Labcorp
Classification: Uncertain significance. Last evaluated: 2022-07-01. Review status: criteria provided, single submitter. Criteria: Invitae Variant Classification Sherloc (09022015). Collection method: clinical testing. Allele origin: germline.
Comment: This sequence change replaces proline, which is neutral and non-polar, with alanine, which is neutral and non-polar, at codon 43 of the SLC12A2 protein (p.Pro43Ala). This variant is not present in population databases (gnomAD no frequency). This variant has not been reported in the literature in individuals affected with SLC12A2-related conditions. Advanced modeling of protein sequence and biophysical properties (such as structural, functional, and spatial information, amino acid conservation, physicochemical variation, residue mobility, and thermodynamic stability) performed at Invitae indicates that this missense variant is not expected to disrupt SLC12A2 protein function. In summary, the available evidence is currently insufficient to determine the role of this variant in disease. Therefore, it has been classified as a Variant of Uncertain Significance.